The following is an entry in ClinVar:

NM_001843.4(CNTN1):c.1712G>A (p.Arg571Gln)

Gene: CNTN1 (contactin 1; plus strand). Cytogenetic location: 12q12.
Variant type: single nucleotide variant.
Coding change: c.1712G>A on transcript NM_001843.4 (MANE Select); coding-DNA position 1712, G replaced by A.
Protein change: p.Arg571Gln; replaces arginine 571 with glutamine.
Molecular consequence: missense variant.
Genome position (GRCh38, 1-based): chr12:40,959,142, G>A. VCF-style: chr12-40959142-G-A. GRCh37 (hg19) VCF-style: chr12-41352944-G-A.
Other names: c.1712G>A (NM_001843.2); c.1712G>A, p.Arg571Gln (NM_001256063.2, NM_001256064.2); c.1679G>A, p.Arg560Gln (NM_175038.2); short protein forms R571Q, R560Q.
Identifiers: ClinVar variation 469413 (VCV000469413.7), dbSNP rs142561108, ClinGen allele CA6516918.
Genomic context (GRCh38, chr12:40,959,142, plus strand): 5'-CTGATTTGAATAATTGCTGTTTTTGCTAACAGCTGGATTCCAATGGGGAATTACTAATCC[G>A]AAATGCGCAGCTGAAACATGCTGGAAGATACACATGCACTGCCCAGACAATTGTGGACAA-3'
Protein context (NP_001834.2, residues 561-581): MLDSNGELLI[Arg571Gln]NAQLKHAGRY

ClinVar aggregate classification (germline): Uncertain significance. Review status: criteria provided, multiple submitters, no conflicts (2 of 4 stars). 2 submissions from 2 submitters: Uncertain significance (2). Last evaluated 2025-12-11.

Conditions:
Compton-North congenital myopathy (CMYO12). Identifiers: Orphanet 210163, MedGen C2675527, MONDO:0012929, OMIM 612540.
Inborn genetic diseases. Identifiers: MedGen C0950123, MeSH D030342.

Allele frequency attached by ClinVar (database versions not stated): gnomAD 0.00001; TOPMed 0.00001; ExAC 0.00002; gnomAD exomes 0.00002; ESP Exome Variant Server 0.00015.
gnomAD v4.1: 24 of 1,612,472 alleles (0.0015%); highest among the groups gnomAD compares: East Asian, 0.031%; no homozygotes.

Submissions (2):

Ambry Genetics
Classification: Uncertain significance for Inborn genetic diseases. Last evaluated: 2025-12-11. Review status: criteria provided, single submitter. Criteria: Ambry Variant Classification Scheme 2023. Collection method: clinical testing. Allele origin: germline.

Labcorp Genetics (formerly Invitae), Labcorp
Classification: Uncertain significance for Compton-North congenital myopathy. Last evaluated: 2021-10-03. Review status: criteria provided, single submitter. Criteria: Invitae Variant Classification Sherloc (09022015). Collection method: clinical testing. Allele origin: germline.
Comment: This sequence change replaces arginine with glutamine at codon 571 of the CNTN1 protein (p.Arg571Gln). The arginine residue is moderately conserved and there is a small physicochemical difference between arginine and glutamine. This variant is present in population databases (rs142561108, ExAC 0.005%). This variant has not been reported in the literature in individuals affected with CNTN1-related conditions. Algorithms developed to predict the effect of missense changes on protein structure and function (SIFT, PolyPhen-2, Align-GVGD) all suggest that this variant is likely to be tolerated. In summary, the available evidence is currently insufficient to determine the role of this variant in disease. Therefore, it has been classified as a Variant of Uncertain Significance.